The following is an entry in ClinVar:

ClinVar aggregate classification (germline): Likely benign (1 of 4 stars; one submission).

Allele frequency attached by ClinVar (database versions not stated): gnomAD exomes 0.00001; TOPMed 0.00002; ExAC 0.00003; gnomAD 0.00003; 1000 Genomes Project 30x 0.00016.
gnomAD v4.1: 21 of 1,613,414 alleles (0.0013%); highest among the groups gnomAD compares: Admixed American, 0.01%; no homozygotes.

Submission:

CeGaT Center for Human Genetics Tuebingen
Classification: Likely benign. Last evaluated: 2022-09-01. Review status: criteria provided, single submitter. Criteria: CeGaT Center For Human Genetics Tuebingen Variant Classification Criteria Version 2. Collection method: clinical testing. Allele origin: germline. Affected: yes. Observed: 1 variant allele.
Comment: ASXL3: BP4, BP7

NM_030632.3(ASXL3):c.3240G>A (p.Ala1080=)

Gene: ASXL3 (ASXL transcriptional regulator 3; plus strand). Cytogenetic location: 18q12.1.
Variant type: single nucleotide variant.
Coding change: c.3240G>A on transcript NM_030632.3 (MANE Select); coding-DNA position 3240, G replaced by A.
Protein change: p.Ala1080=; no amino-acid change (alanine 1080 retained).
Molecular consequence: synonymous variant.
Genome position (GRCh38, 1-based): chr18:33,743,088, G>A. VCF-style: chr18-33743088-G-A. GRCh37 (hg19) VCF-style: chr18-31323052-G-A.
Identifiers: ClinVar variation 2648648 (VCV002648648.24), dbSNP rs768454146, ClinGen allele CA8934049.